The following is an entry in ClinVar:

NM_014233.4(UBTF):c.185A>G (p.Asp62Gly)

Genes: ATXN7L3-AS1 (ATXN7L3 antisense RNA 1; plus strand), UBTF (upstream binding transcription factor; minus strand). Cytogenetic location: 17q21.31.
Variant type: single nucleotide variant.
Coding change: c.185A>G on transcript NM_014233.4 (MANE Select); coding-DNA position 185, A replaced by G.
Protein change: p.Asp62Gly; replaces aspartic acid 62 with glycine.
Molecular consequence: missense variant. On other transcripts: non-coding transcript variant (1).
Genome position (GRCh38, 1-based): chr17:44,216,578, T>C on the plus strand (A>G on the coding strand, the complement: UBTF is on the minus strand). VCF-style: chr17-44216578-T-C. GRCh37 (hg19) VCF-style: chr17-42293946-T-C.
Other names: c.185A>G, p.Asp62Gly (NM_001076683.2, NM_001076684.3); short protein forms D62G.
Identifiers: ClinVar variation 1334665 (VCV001334665.5), dbSNP rs1353983503, ClinGen allele CA399769165.

ClinVar aggregate classification (germline): Uncertain significance. Review status: criteria provided, multiple submitters, no conflicts (2 of 4 stars). 2 submissions from 2 submitters: Uncertain significance (2). Last evaluated 2024-06-25.

Allele frequency attached by ClinVar (database versions not stated): gnomAD exomes below 0.00001; gnomAD 0.00001; TOPMed 0.00002.
gnomAD v4.1: 7 of 1,614,096 alleles (0.00043%); highest among the groups gnomAD compares: Non-Finnish European, 0.00059%; no homozygotes.

Submissions (2):

Women's Health and Genetics/Laboratory Corporation of America, LabCorp
Classification: Uncertain significance. Last evaluated: 2024-06-25. Review status: criteria provided, single submitter. Criteria: LabCorp Variant Classification Summary - May 2015. Collection method: clinical testing. Allele origin: germline.
Comment: Variant summary: UBTF c.185A>G (p.Asp62Gly) results in a non-conservative amino acid change in the encoded protein sequence. Three of five in-silico tools predict a benign effect of the variant on protein function. The variant allele was found at a frequency of 4e-06 in 251484 control chromosomes. The available data on variant occurrences in the general population are insufficient to allow any conclusion about variant significance. To our knowledge, no occurrence of c.185A>G in individuals affected with Childhood-Onset Motor And Cognitive Regression Syndrome With Extrapyramidal Movement Disorder and no experimental evidence demonstrating its impact on protein function have been reported. ClinVar contains an entry for this variant (Variation ID: 1334665). Based on the evidence outlined above, the variant was classified as uncertain significance.

Greenwood Genetic Center Diagnostic Laboratories, Greenwood Genetic Center
Classification: Uncertain significance. Last evaluated: 2021-11-17. Review status: criteria provided, single submitter. Criteria: ACMG Guidelines, 2015. Collection method: clinical testing. Allele origin: germline. Affected: yes.
Comment: BP4, PM2, PP2